The following is an entry in ClinVar:

ClinVar aggregate classification (germline): Uncertain significance. Review status: criteria provided, multiple submitters, no conflicts (2 of 4 stars). 2 submissions from 2 submitters: Uncertain significance (2). Last evaluated 2025-06-05.

Conditions:
Inborn genetic diseases. Identifiers: MedGen C0950123, MeSH D030342.

Allele frequency attached by ClinVar (database versions not stated): TOPMed 0.00002.
gnomAD v4.1: 2 of 1,614,240 alleles (0.00012%); highest among the groups gnomAD compares: Admixed American, 0.0017%; no homozygotes.

Submissions (2):

Labcorp Genetics (formerly Invitae), Labcorp
Classification: Uncertain significance. Last evaluated: 2025-06-05. Review status: criteria provided, single submitter. Criteria: Invitae Variant Classification Sherloc (09022015). Collection method: clinical testing. Allele origin: germline.
Comment: This sequence change replaces lysine, which is basic and polar, with asparagine, which is neutral and polar, at codon 77 of the RIPK1 protein (p.Lys77Asn). This variant is not present in population databases (gnomAD no frequency). This variant has not been reported in the literature in individuals affected with RIPK1-related conditions. ClinVar contains an entry for this variant (Variation ID: 2252322). An algorithm developed to predict the effect of missense changes on protein structure and function (PolyPhen-2) suggests that this variant is likely to be disruptive. In summary, the available evidence is currently insufficient to determine the role of this variant in disease. Therefore, it has been classified as a Variant of Uncertain Significance.

Ambry Genetics
Classification: Uncertain significance for Inborn genetic diseases. Last evaluated: 2021-09-27. Review status: criteria provided, single submitter. Criteria: Ambry Variant Classification Scheme 2023. Collection method: clinical testing. Allele origin: germline.

NM_001354930.2(RIPK1):c.231G>T (p.Lys77Asn)

Gene: RIPK1 (receptor interacting serine/threonine kinase 1; plus strand). Cytogenetic location: 6p25.2.
Variant type: single nucleotide variant.
Coding change: c.231G>T on transcript NM_001354930.2 (MANE Select); coding-DNA position 231, G replaced by T.
Protein change: p.Lys77Asn; replaces lysine 77 with asparagine.
Molecular consequence: missense variant. On other transcripts: 5 prime UTR variant (4).
Genome position (GRCh38, 1-based): chr6:3,077,845, G>T. VCF-style: chr6-3077845-G-T. GRCh37 (hg19) VCF-style: chr6-3078079-G-T.
Other names: c.-373G>T (NM_001317061.3, NM_001354932.2, NM_001354933.2 and 1 more transcripts); c.231G>T, p.Lys77Asn (NM_001354931.2, NM_003804.6); short protein forms K77N.
Identifiers: ClinVar variation 2252322 (VCV002252322.4), dbSNP rs1759162832, ClinGen allele CA362574601.